The following is an entry in ClinVar:

NM_001242882.2(NAXD):c.445A>G (p.Ile149Val)

Gene: NAXD (NAD(P)HX dehydratase; plus strand). Cytogenetic location: 13q34.
Variant type: single nucleotide variant.
Coding change: c.445A>G on transcript NM_001242882.2 (MANE Select); coding-DNA position 445, A replaced by G.
Protein change: p.Ile149Val; replaces isoleucine 149 with valine.
Molecular consequence: missense variant. On other transcripts: non-coding transcript variant (2).
Genome position (GRCh38, 1-based): chr13:110,634,548, A>G. VCF-style: chr13-110634548-A-G. GRCh37 (hg19) VCF-style: chr13-111286895-A-G.
Other names: c.499A>G (NM_018210.3); c.499A>G, p.Ile167Val (NM_001242881.2, NM_018210.4); c.169A>G, p.Ile57Val (NM_001242883.2); short protein forms I57V, I167V, I149V.
Identifiers: ClinVar variation 1508572 (VCV001508572.7), dbSNP rs776577160, ClinGen allele CA7051212.

ClinVar aggregate classification (germline): Uncertain significance. Review status: criteria provided, multiple submitters, no conflicts (2 of 4 stars). 2 submissions from 2 submitters: Uncertain significance (2). Last evaluated 2022-08-09.

Conditions:
Inborn genetic diseases. Identifiers: MedGen C0950123, MeSH D030342.

Allele frequency attached by ClinVar (database versions not stated): gnomAD exomes below 0.00001 and 0.00001; ExAC 0.00001.
gnomAD v4.1: 4 of 1,614,156 alleles (0.00025%); highest among the groups gnomAD compares: South Asian, 0.0022%; no homozygotes.

Submissions (2):

Labcorp Genetics (formerly Invitae), Labcorp
Classification: Uncertain significance. Last evaluated: 2022-08-09. Review status: criteria provided, single submitter. Criteria: Invitae Variant Classification Sherloc (09022015). Collection method: clinical testing. Allele origin: germline.
Comment: In summary, the available evidence is currently insufficient to determine the role of this variant in disease. Therefore, it has been classified as a Variant of Uncertain Significance. Algorithms developed to predict the effect of missense changes on protein structure and function (SIFT, PolyPhen-2, Align-GVGD) all suggest that this variant is likely to be tolerated. ClinVar contains an entry for this variant (Variation ID: 1508572). This variant has not been reported in the literature in individuals affected with NAXD-related conditions. This variant is present in population databases (rs776577160, gnomAD 0.003%). This sequence change replaces isoleucine, which is neutral and non-polar, with valine, which is neutral and non-polar, at codon 167 of the NAXD protein (p.Ile167Val).

Ambry Genetics
Classification: Uncertain significance for Inborn genetic diseases. Last evaluated: 2021-08-13. Review status: criteria provided, single submitter. Criteria: Ambry Variant Classification Scheme 2023. Collection method: clinical testing. Allele origin: germline.